The following is an entry in ClinVar:

ClinVar aggregate classification (germline): Uncertain significance. Review status: criteria provided, multiple submitters, no conflicts (2 of 4 stars). 2 submissions from 2 submitters: Uncertain significance (2). Last evaluated 2025-07-08.

Conditions:
Hyper-IgM syndrome type 1. Also called: CD40 Ligand Deficiency; X-linked hyper-IgM syndrome; Immunodeficiency, X-linked, with hyper-IgM; Hyper-IgM Immunodeficiency Syndrome, Type 1. Identifiers: Orphanet 101088, MedGen C0398689, MONDO:0010626, OMIM 308230.

Allele frequency attached by ClinVar (database versions not stated): gnomAD exomes 0.00001; gnomAD 0.00002; TOPMed below 0.00001.
gnomAD v4.1: 12 of 1,208,100 alleles (0.00099%); highest among the groups gnomAD compares: Middle Eastern, 0.092%; no homozygotes.

Submissions (2):

Labcorp Genetics (formerly Invitae), Labcorp
Classification: Uncertain significance for Hyper-IgM syndrome type 1. Last evaluated: 2025-07-08. Review status: criteria provided, single submitter. Criteria: Invitae Variant Classification Sherloc (09022015). Collection method: clinical testing. Allele origin: germline.
Comment: This sequence change replaces isoleucine, which is neutral and non-polar, with valine, which is neutral and non-polar, at codon 127 of the CD40LG protein (p.Ile127Val). This variant is not present in population databases (gnomAD no frequency). This variant has not been reported in the literature in individuals affected with CD40LG-related conditions. ClinVar contains an entry for this variant (Variation ID: 636846). Invitae Evidence Modeling of protein sequence and biophysical properties (such as structural, functional, and spatial information, amino acid conservation, physicochemical variation, residue mobility, and thermodynamic stability) indicates that this missense variant is not expected to disrupt CD40LG protein function with a negative predictive value of 80%. In summary, the available evidence is currently insufficient to determine the role of this variant in disease. Therefore, it has been classified as a Variant of Uncertain Significance.

Blueprint Genetics
Classification: Uncertain significance. Last evaluated: 2019-08-14. Review status: criteria provided, single submitter. Criteria: ACMG Guidelines, 2015. Collection method: clinical testing. Allele origin: germline.

NM_000074.3(CD40LG):c.379A>G (p.Ile127Val)

Gene: CD40LG (CD40 ligand; plus strand). Cytogenetic location: Xq26.3.
Variant type: single nucleotide variant.
Coding change: c.379A>G on transcript NM_000074.3 (MANE Select); coding-DNA position 379, A replaced by G.
Protein change: p.Ile127Val; replaces isoleucine 127 with valine.
Molecular consequence: missense variant.
Genome position (GRCh38, 1-based): chrX:136,656,388, A>G. VCF-style: chrX-136656388-A-G. GRCh37 (hg19) VCF-style: chrX-135738547-A-G.
Other names: short protein forms I127V.
Identifiers: ClinVar variation 636846 (VCV000636846.5), dbSNP rs1052924444, ClinGen allele CA336267045.